The following is an entry in ClinVar:

NM_002471.4(MYH6):c.3653A>C (p.Lys1218Thr)

Gene: MYH6 (myosin heavy chain 6; minus strand). Cytogenetic location: 14q11.2.
Variant type: single nucleotide variant.
Coding change: c.3653A>C on transcript NM_002471.4 (MANE Select); coding-DNA position 3653, A replaced by C.
Protein change: p.Lys1218Thr; replaces lysine 1218 with threonine.
Molecular consequence: missense variant.
Genome position (GRCh38, 1-based): chr14:23,390,136, T>G on the plus strand (A>C on the coding strand, the complement: MYH6 is on the minus strand). VCF-style: chr14-23390136-T-G. GRCh37 (hg19) VCF-style: chr14-23859345-T-G.
Other names: short protein forms K1218T.
Identifiers: ClinVar variation 2841811 (VCV002841811.3), dbSNP rs2502159248, ClinGen allele CA389005531.

ClinVar aggregate classification (germline): Uncertain significance (1 of 4 stars; one submission).

Conditions:
Hypertrophic cardiomyopathy 14. Identifiers: MedGen C2750467, MONDO:0013197, OMIM 613251.

Submission:

Labcorp Genetics (formerly Invitae), Labcorp
Classification: Uncertain significance for Hypertrophic cardiomyopathy 14. Last evaluated: 2023-03-01. Review status: criteria provided, single submitter. Criteria: Invitae Variant Classification Sherloc (09022015). Collection method: clinical testing. Allele origin: germline.
Comment: This sequence change replaces lysine, which is basic and polar, with threonine, which is neutral and polar, at codon 1218 of the MYH6 protein (p.Lys1218Thr). This variant is not present in population databases (gnomAD no frequency). This variant has not been reported in the literature in individuals affected with MYH6-related conditions. Advanced modeling of protein sequence and biophysical properties (such as structural, functional, and spatial information, amino acid conservation, physicochemical variation, residue mobility, and thermodynamic stability) performed at Invitae indicates that this missense variant is not expected to disrupt MYH6 protein function. In summary, the available evidence is currently insufficient to determine the role of this variant in disease. Therefore, it has been classified as a Variant of Uncertain Significance.